The following is an entry in ClinVar:

NM_000432.4(MYL2):c.359G>A (p.Arg120Gln)

Gene: MYL2 (myosin light chain 2; minus strand). Cytogenetic location: 12q24.11.
Variant type: single nucleotide variant.
Coding change: c.359G>A on transcript NM_000432.4 (MANE Select); coding-DNA position 359, G replaced by A.
Protein change: p.Arg120Gln; replaces arginine 120 with glutamine.
Molecular consequence: missense variant.
Genome position (GRCh38, 1-based): chr12:110,913,139, C>T on the plus strand (G>A on the coding strand, the complement: MYL2 is on the minus strand). VCF-style: chr12-110913139-C-T. GRCh37 (hg19) VCF-style: chr12-111350943-C-T.
Other names: short protein forms R120Q.
Identifiers: ClinVar variation 36645 (VCV000036645.70), dbSNP rs192057022, ClinGen allele CA010211.

ClinVar aggregate classification (germline): Conflicting classifications of pathogenicity. Review status: criteria provided, conflicting classifications (1 of 4 stars). 12 submissions from 12 submitters: Uncertain significance (8); Likely benign (2). 2 of the submissions do not count toward it. Last evaluated 2026-01-08.

Conditions:
Myopathy, myofibrillar, 12, infantile-onset, with cardiomyopathy. Identifiers: MedGen C5561937, MONDO:0859168, OMIM 619424.
Hypertrophic cardiomyopathy 10. Also called: MYL2-Related Familial Hypertrophic Cardiomyopathy; CARDIOMYOPATHY, HYPERTROPHIC, MID-LEFT VENTRICULAR CHAMBER TYPE, 2. Identifiers: MedGen C1834460, MONDO:0012112, OMIM 608758.
MYL2-related disorder. Also called: MYL2-related condition; MYL2-related disease; MYL2-related disorders.
Cardiovascular phenotype. Identifiers: MedGen CN230736.
Cardiomyopathy (CMYO). Also called: Cardiomyopathies. Identifiers: Orphanet 167848, MedGen C0878544, MONDO:0004994, HP:0001638. Inheritance: Various modes of inheritance.
Primary familial hypertrophic cardiomyopathy (HCM). Identifiers: Orphanet 99739, MedGen C0949658, MeSH D024741, MONDO:0024573. Inheritance: Various modes of inheritance.
Hypertrophic cardiomyopathy. Also called: HYPERTROPHIC MYOCARDIOPATHY. Identifiers: Orphanet 217569, MedGen C0007194, MeSH D002312, MONDO:0005045, HP:0001639.

Allele frequency attached by ClinVar (database versions not stated): gnomAD exomes 0.00003 and 0.00005; ExAC 0.00006; TOPMed 0.00006; gnomAD 0.00009; 1000 Genomes Project 0.00040; 1000 Genomes Project 30x 0.00047.
gnomAD v4.1: 55 of 1,614,200 alleles (0.0034%); highest among the groups gnomAD compares: Admixed American, 0.03%; 1 homozygote.

Submissions (12):

Labcorp Genetics (formerly Invitae), Labcorp
Classification: Uncertain significance for Hypertrophic cardiomyopathy 10. Last evaluated: 2026-01-08. Review status: criteria provided, single submitter. Criteria: Invitae Variant Classification Sherloc (09022015). Collection method: clinical testing. Allele origin: germline.
Comment: This sequence change replaces arginine, which is basic and polar, with glutamine, which is neutral and polar, at codon 120 of the MYL2 protein (p.Arg120Gln). This variant is present in population databases (rs192057022, gnomAD 0.02%). This missense change has been observed in individual(s) with restrictive cardiomyopathy, hypertrophic cardiomyopathy or dilated cardiomyopathy (PMID: 22260945, 36264615, 38540378). ClinVar contains an entry for this variant (Variation ID: 36645). An algorithm developed to predict the effect of missense changes on protein structure and function outputs the following: PolyPhen-2: "Benign". The glutamine amino acid residue is found in multiple mammalian species, which suggests that this missense change does not adversely affect protein function. In summary, the available evidence is currently insufficient to determine the role of this variant in disease. Therefore, it has been classified as a Variant of Uncertain Significance.

PreventionGenetics, part of Exact Sciences
Classification: Uncertain significance for MYL2-related condition. Last evaluated: 2025-12-19. Review status: criteria provided, single submitter. Criteria: ACMG Guidelines, 2015. Collection method: clinical testing. Allele origin: germline.
Comment: The MYL2 c.359G>A variant is predicted to result in the amino acid substitution p.Arg120Gln. This variant has been reported in individuals with restrictive cardiomyopathy, hypertrophic cardiomyopathy, dilated cardiomyopathy, or sudden unexplained death (Walsh et al. 2012. PubMed ID: 22260945; Table S2, Gómez et al. 2017. PubMed ID: 28356264; Table S3B, Salfati et al. 2019. PubMed ID: 31847883; Koutsofti et al. 2024. PubMed ID: 38540378). This variant is reported in 0.025% of alleles in individuals of Latino descent in gnomAD and has conflicting interpretations regarding its pathogenicity in ClinVar, ranging from uncertain to likely benign (Variation ID: 36645). At this time, the clinical significance of this variant is uncertain due to the absence of conclusive functional and genetic evidence.

Molecular Diagnostic Laboratory for Inherited Cardiovascular Disease, Montreal Heart Institute
Classification: Uncertain significance for Cardiovascular phenotype. Last evaluated: 2025-04-09. Review status: criteria provided, single submitter. Criteria: ACMG Guidelines, 2015. Collection method: clinical testing. Allele origin: germline. Affected: yes.
Comment: PP2, BP4

All of Us Research Program, National Institutes of Health
Classification: Uncertain significance for Hypertrophic cardiomyopathy. Last evaluated: 2024-09-17. Review status: criteria provided, single submitter. Criteria: ACMG Guidelines, 2015. Collection method: clinical testing. Allele origin: germline. Inheritance: Autosomal dominant inheritance. Observed: 22 variant alleles, 22 heterozygotes.
Comment: This missense variant replaces arginine with glutamine at codon 120 of the MYL2 protein. Computational prediction suggests that this variant may not impact protein structure and function (internally defined REVEL score threshold <= 0.5, PMID: 27666373). To our knowledge, functional studies have not been reported for this variant. This variant has been reported in two individuals affected with restrictive cardiomyopathy (PMID: 22260945). This variant has been identified in 16/282870 chromosomes in the general population by the Genome Aggregation Database (gnomAD). The available evidence is insufficient to determine the role of this variant in disease conclusively. Therefore, this variant is classified as a Variant of Uncertain Significance.

This study involves interpretation of variants in research participants for the purpose of population health screening. Participant phenotype was not available at the time of variant classification. Additional details can be found in publication PMID: 35346344, PMCID: PMC8962531

Color Diagnostics, LLC DBA Color Health
Classification: Uncertain significance for Cardiomyopathy. Last evaluated: 2024-01-16. Review status: criteria provided, single submitter. Criteria: ACMG Guidelines, 2015. Collection method: clinical testing. Allele origin: germline.
Comment: This missense variant replaces arginine with glutamine at codon 120 of the MYL2 protein. Computational prediction tools indicate that this variant has a neutral impact on protein structure and function. To our knowledge, functional studies have not been reported for this variant. This variant has been reported in two individuals affected with restrictive cardiomyopathy (PMID: 22260945). This variant has been identified in 16/282870 chromosomes in the general population by the Genome Aggregation Database (gnomAD). The available evidence is insufficient to determine the role of this variant in disease conclusively. Therefore, this variant is classified as a Variant of Uncertain Significance.

Ambry Genetics
Classification: Likely benign for Cardiovascular phenotype. Last evaluated: 2022-03-24. Review status: criteria provided, single submitter. Criteria: Ambry Variant Classification Scheme 2023. Collection method: clinical testing. Allele origin: germline.

CHEO Genetics Diagnostic Laboratory, Children's Hospital of Eastern Ontario
Classification: Uncertain significance for Cardiomyopathy. Last evaluated: 2021-12-29. Review status: criteria provided, single submitter. Criteria: ACMG Guidelines, 2015. Collection method: clinical testing. Allele origin: germline.

Fulgent Genetics
Classification: Uncertain significance for Hypertrophic cardiomyopathy 10; Myopathy, myofibrillar, 12, infantile-onset, with cardiomyopathy. Last evaluated: 2021-08-06. Review status: criteria provided, single submitter. Criteria: ACMG Guidelines, 2015. Collection method: clinical testing. Allele origin: unknown.

Blueprint Genetics
Classification: Likely benign. Last evaluated: 2021-01-20. Review status: criteria provided, single submitter. Criteria: ACMG Guidelines, 2015. Collection method: clinical testing. Allele origin: germline.

CeGaT Center for Human Genetics Tuebingen
Classification: Uncertain significance. Last evaluated: 2019-04-01. Review status: criteria provided, single submitter. Criteria: CeGaT Center For Human Genetics Tuebingen Variant Classification Criteria Version 2. Collection method: clinical testing. Allele origin: germline. Affected: yes. Observed: 1 variant allele.

Women's Health and Genetics/Laboratory Corporation of America, LabCorp
Classification: Uncertain significance for Hypertrophic Cardiomyopathy. Last evaluated: 2015-10-02. Review status: no assertion criteria provided. Collection method: clinical testing. Allele origin: germline. Not counted in ClinVar's aggregate classification.

Laboratory for Molecular Medicine, Mass General Brigham Personalized Medicine
Classification: Uncertain significance. Last evaluated: 2008-07-14. Review status: no assertion criteria provided. Collection method: clinical testing. Allele origin: germline. Observed: 2 variant alleles. Not counted in ClinVar's aggregate classification.

Literature cited by the submitters: PubMed 22260945 (cited by 4 submitters); PubMed 36264615 (cited by Labcorp Genetics (formerly Invitae), Labcorp); PubMed 38540378 (cited by Labcorp Genetics (formerly Invitae), Labcorp); PubMed 23861362 (cited by Ambry Genetics); PubMed 27532257 (cited by Ambry Genetics); PubMed 28356264 (cited by Ambry Genetics); PubMed 31847883 (cited by Ambry Genetics).